The following is an entry in ClinVar:

ClinVar aggregate classification (germline): Likely pathogenic (1 of 4 stars; one submission).

Conditions:
Holoprosencephaly 2 (HPE2). Identifiers: Orphanet 2162, MedGen C1834877, MONDO:0007999, OMIM 157170.

Submission:

Juno Genomics, Hangzhou Juno Genomics, Inc
Classification: Likely pathogenic for Holoprosencephaly 2. Review status: criteria provided, single submitter. Criteria: ACMG Guidelines, 2015. Collection method: clinical testing. Allele origin: germline. Affected: yes.
Comment: Null variant in a gene where loss of function (LOF) is a known mechanism of disease.;Absent from controls (or at extremely low frequency if recessive) in Genome Aggregation Database, Exome Sequencing Project, 1000 Genomes Project, or Exome Aggregation Consortium.

NM_005413.4(SIX3):c.671G>A (p.Trp224Ter)

Gene: SIX3 (SIX homeobox 3; plus strand). Cytogenetic location: 2p21.
Variant type: single nucleotide variant.
Coding change: c.671G>A on transcript NM_005413.4 (MANE Select); coding-DNA position 671, G replaced by A.
Protein change: p.Trp224Ter; replaces tryptophan 224 with a stop codon.
Molecular consequence: nonsense.
Genome position (GRCh38, 1-based): chr2:44,942,775, G>A. VCF-style: chr2-44942775-G-A. GRCh37 (hg19) VCF-style: chr2-45169914-G-A.
Other names: short protein forms W224*.
Identifiers: ClinVar variation 3381887 (VCV003381887.2).
Genomic context (GRCh38, chr2:44,942,775, plus strand): 5'-GGGACGGCGAGCAGAAGACGCATTGCTTCAAGGAGCGGACTCGGAGCCTGTTGCGGGAGT[G>A]GTACCTACAGGACCCCTACCCCAACCCCAGCAAGAAACGCGAACTGGCGCAGGCCACCGG-3'